The following is an entry in ClinVar:

ClinVar aggregate classification (germline): Benign/Likely benign. Review status: criteria provided, multiple submitters, no conflicts (2 of 4 stars). 6 submissions from 6 submitters: Benign (2); Likely benign (3). 1 of the submissions does not count toward it. Last evaluated 2026-01-15.

Conditions:
SALL4-Related Disorders. Also called: SALL4-related condition; SALL4-related disorder. Identifiers: MedGen CN381056.
Duane-radial ray syndrome (DRRS). Also called: ACRORENOOCULAR SYNDROME; DR SYNDROME; DUANE ANOMALY WITH RADIAL RAY ABNORMALITIES AND DEAFNESS; Duane-Radial Ray Syndrome/Okihiro Syndrome; Duane-Radial Ray Syndrome (DRRS) / Okihiro Syndrome; Okihiro Syndrome. Identifiers: Orphanet 93293, Orphanet 959, MedGen C1623209, MONDO:0011812, OMIM 607323. Disease mechanism: gain of function.
Oculootoradial syndrome (IVIC). Also called: RADIAL RAY DEFECTS, HEARING IMPAIRMENT, EXTERNAL OPHTHALMOPLEGIA, AND THROMBOCYTOPENIA; IVIC syndrome. Identifiers: Orphanet 2307, MedGen C1327918, MONDO:0007836, OMIM 147750.

Allele frequency attached by ClinVar (database versions not stated): gnomAD exomes 0.00090 and 0.00166; ExAC 0.00092; gnomAD 0.00100 and 0.00121; TOPMed 0.00108; ESP Exome Variant Server 0.00161.
gnomAD v4.1: 2,568 of 1,614,116 alleles (0.16%); highest among the groups gnomAD compares: Non-Finnish European, 0.2%; 5 homozygotes.

Submissions (6):

Labcorp Genetics (formerly Invitae), Labcorp
Classification: Benign for Duane-radial ray syndrome. Last evaluated: 2026-01-15. Review status: criteria provided, single submitter. Criteria: Invitae Variant Classification Sherloc (09022015). Collection method: clinical testing. Allele origin: germline.

CeGaT Center for Human Genetics Tuebingen
Classification: Likely benign. Last evaluated: 2025-10-01. Review status: criteria provided, single submitter. Criteria: CeGaT Center For Human Genetics Tuebingen Variant Classification Criteria Version 2. Collection method: clinical testing. Allele origin: germline. Affected: yes. Observed: 2 variant alleles.
Comment: SALL4: BP4, BP7

Blueprint Genetics
Classification: Likely benign. Last evaluated: 2024-11-28. Review status: criteria provided, single submitter. Criteria: ACMG Guidelines, 2015. Collection method: clinical testing. Allele origin: germline.

Fulgent Genetics
Classification: Likely benign for Oculootoradial syndrome; Duane-radial ray syndrome. Last evaluated: 2021-09-22. Review status: criteria provided, single submitter. Criteria: ACMG Guidelines, 2015. Collection method: clinical testing. Allele origin: unknown.

GeneDx
Classification: Benign. Last evaluated: 2015-03-03. Review status: criteria provided, single submitter. Criteria: GeneDx Variant Classification Process June 2021. Collection method: clinical testing. Allele origin: germline. Affected: yes.

PreventionGenetics, part of Exact Sciences
Classification: Likely benign for SALL4-related condition. Last evaluated: 2020-02-17. Review status: no assertion criteria provided. Collection method: clinical testing. Allele origin: germline. Not counted in ClinVar's aggregate classification.
Comment: This variant is classified as likely benign based on ACMG/AMP sequence variant interpretation guidelines (Richards et al. 2015 PMID: 25741868, with internal and published modifications).

NM_020436.5(SALL4):c.1950C>T (p.Gly650=)

Gene: SALL4 (spalt like transcription factor 4; minus strand). Cytogenetic location: 20q13.2.
Variant type: single nucleotide variant.
Coding change: c.1950C>T on transcript NM_020436.5 (MANE Select); coding-DNA position 1950, C replaced by T.
Protein change: p.Gly650=; no amino-acid change (glycine 650 retained).
Molecular consequence: synonymous variant. On other transcripts: intron variant (1).
Genome position (GRCh38, 1-based): chr20:51,790,533, G>A on the plus strand (C>T on the coding strand, the complement: SALL4 is on the minus strand). VCF-style: chr20-51790533-G-A. GRCh37 (hg19) VCF-style: chr20-50407072-G-A.
Other names: c.1950C>T (LRG_675t1, NM_020436.4); c.1150+800C>T (NM_001318031.2).
Identifiers: ClinVar variation 338773 (VCV000338773.31), dbSNP rs149008635, ClinGen allele CA9912207.
Genomic context (GRCh38, chr20:51,790,533, plus strand): 5'-TGGCTCAGAACCCGTAAAGTCACAGGGATTCTCTGGCAGGGGCGTGTTGGGAATCTGACC[G>A]CCCATGTGCATCCGAATATGTTGCTGCAGCATCACGGCATTAGTGAACTTCTTCTGGCAG-3'
Protein context (NP_065169.1, residues 640-660): MLQQHIRMHM[Gly650=]GQIPNTPLPE